The following is an entry in ClinVar:

NM_004655.4(AXIN2):c.1132C>G (p.Leu378Val)

Gene: AXIN2 (axin 2; minus strand). Cytogenetic location: 17q24.1.
Variant type: single nucleotide variant.
Coding change: c.1132C>G on transcript NM_004655.4 (MANE Select); coding-DNA position 1132, C replaced by G.
Protein change: p.Leu378Val; replaces leucine 378 with valine.
Molecular consequence: missense variant.
Genome position (GRCh38, 1-based): chr17:65,538,271, G>C on the plus strand (C>G on the coding strand, the complement: AXIN2 is on the minus strand). VCF-style: chr17-65538271-G-C. GRCh37 (hg19) VCF-style: chr17-63534389-G-C.
Other names: c.1132C>G (LRG_296t1); c.1132C>G, p.Leu378Val (NM_001363813.1); short protein forms L378V.
Identifiers: ClinVar variation 533196 (VCV000533196.10), dbSNP rs1555578508, ClinGen allele CA400678360.
Genomic context (GRCh38, chr17:65,538,271, plus strand): 5'-TCTGCTGCAGGCGCTCCTCCAGGCTGTGGCGGCTCTCCAACTCCAGCTTCAGCTTTTCCA[G>C]CCTCGAGATCAGCTCAGCTGCAAAGGTGGCGGGTTCCACGGGGGTCATCTCCTTGGGCAG-3'
Protein context (NP_004646.3, residues 368-388): ATFAAELISR[Leu378Val]EKLKLELESR

ClinVar aggregate classification (germline): Uncertain significance. Review status: criteria provided, multiple submitters, no conflicts (2 of 4 stars). 2 submissions from 2 submitters: Uncertain significance (2). Last evaluated 2023-10-23.

Conditions:
Hereditary cancer-predisposing syndrome. Also called: Hereditary neoplastic syndrome; Neoplastic Syndromes, Hereditary; Tumor predisposition; Hereditary Cancer Syndrome. Identifiers: Orphanet 140162, MedGen C0027672, MeSH D009386, MONDO:0015356.
Oligodontia-cancer predisposition syndrome. Also called: TOOTH AGENESIS-COLORECTAL CANCER SYNDROME. Identifiers: Orphanet 300576, MedGen C1837750, MONDO:0012075, OMIM 608615. Disease mechanism: loss of function.

Submissions (2):

Labcorp Genetics (formerly Invitae), Labcorp
Classification: Uncertain significance for Oligodontia-cancer predisposition syndrome. Last evaluated: 2023-10-23. Review status: criteria provided, single submitter. Criteria: Invitae Variant Classification Sherloc (09022015). Collection method: clinical testing. Allele origin: germline.
Comment: This sequence change replaces leucine, which is neutral and non-polar, with valine, which is neutral and non-polar, at codon 378 of the AXIN2 protein (p.Leu378Val). This variant is not present in population databases (gnomAD no frequency). This variant has not been reported in the literature in individuals affected with AXIN2-related conditions. ClinVar contains an entry for this variant (Variation ID: 533196). Advanced modeling of protein sequence and biophysical properties (such as structural, functional, and spatial information, amino acid conservation, physicochemical variation, residue mobility, and thermodynamic stability) performed at Invitae indicates that this missense variant is expected to disrupt AXIN2 protein function. In summary, the available evidence is currently insufficient to determine the role of this variant in disease. Therefore, it has been classified as a Variant of Uncertain Significance.

Ambry Genetics
Classification: Uncertain significance for Hereditary cancer-predisposing syndrome. Last evaluated: 2023-02-25. Review status: criteria provided, single submitter. Criteria: Ambry Variant Classification Scheme 2023. Collection method: clinical testing. Allele origin: germline.
Comment: The p.L378V variant (also known as c.1132C>G), located in coding exon 4 of the AXIN2 gene, results from a C to G substitution at nucleotide position 1132. The leucine at codon 378 is replaced by valine, an amino acid with highly similar properties. This amino acid position is conserved. In addition, the in silico prediction for this alteration is inconclusive. Since supporting evidence is limited at this time, the clinical significance of this alteration remains unclear.